The following is an entry in ClinVar:

ClinVar aggregate classification (germline): Uncertain significance (1 of 4 stars; one submission).

Submission:

Labcorp Genetics (formerly Invitae), Labcorp
Classification: Uncertain significance. Last evaluated: 2024-10-01. Review status: criteria provided, single submitter. Criteria: Invitae Variant Classification Sherloc (09022015). Collection method: clinical testing. Allele origin: germline.
Comment: This sequence change creates a premature translational stop signal (p.Asn1213Lysfs*18) in the ADGRA3 gene. While this is not anticipated to result in nonsense mediated decay, it is expected to disrupt the last 109 amino acid(s) of the ADGRA3 protein. This variant is not present in population databases (gnomAD no frequency). This variant has not been reported in the literature in individuals affected with ADGRA3-related conditions. Experimental studies and prediction algorithms are not available or were not evaluated, and the functional significance of this variant is currently unknown. In summary, the available evidence is currently insufficient to determine the role of this variant in disease. Therefore, it has been classified as a Variant of Uncertain Significance.

NM_145290.4(ADGRA3):c.3622_3635dup (p.Asn1213fs)

Gene: ADGRA3 (adhesion G protein-coupled receptor A3; minus strand). Cytogenetic location: 4p15.2.
Variant type: Duplication.
Coding change: c.3622_3635dup on transcript NM_145290.4 (MANE Select); coding-DNA positions 3622 to 3635, 14 bases duplicated (AAAAGCCGGCTGGG).
Protein change: p.Asn1213fs; shifts the reading frame from asparagine 1213.
Molecular consequence: frameshift variant.
Genome position (GRCh38, 1-based): chr4:22,388,036-22,388,049, CCCAGCCGGCTTTT duplicated on the plus strand (AAAAGCCGGCTGGG on the coding strand, the reverse complement: ADGRA3 is on the minus strand). VCF-style (leftmost placement, unchanged base first): chr4-22388035-G-GCCCAGCCGGCTTTT. GRCh37 (hg19) VCF-style: chr4-22389658-G-GCCCAGCCGGCTTTT.
Other names: short protein forms N1213fs.
Identifiers: ClinVar variation 3721788 (VCV003721788.2).